The following is an entry in ClinVar:

NM_053025.4(MYLK):c.5625T>G (p.Asp1875Glu)

Genes: MYLK (myosin light chain kinase; minus strand), MYLK-AS1 (MYLK antisense RNA 1; plus strand). Cytogenetic location: 3q21.1.
Variant type: single nucleotide variant.
Coding change: c.5625T>G on transcript NM_053025.4 (MANE Select); coding-DNA position 5625, T replaced by G.
Protein change: p.Asp1875Glu; replaces aspartic acid 1875 with glutamic acid.
Molecular consequence: missense variant.
Genome position (GRCh38, 1-based): chr3:123,614,225, A>C on the plus strand (T>G on the coding strand, the complement: MYLK is on the minus strand). VCF-style: chr3-123614225-A-C. GRCh37 (hg19) VCF-style: chr3-123333072-A-C.
Other names: c.5097T>G, p.Asp1699Glu (NM_001321309.2); c.5418T>G, p.Asp1806Glu (NM_053026.4); c.5472T>G, p.Asp1824Glu (NM_053027.4); c.5265T>G, p.Asp1755Glu (NM_053028.4); c.342T>G, p.Asp114Glu (NM_053031.4); c.345T>G, p.Asp115Glu (NM_053032.4); short protein forms D114E, D1699E, D1806E, D1755E, D1824E, D1875E, D115E.
Identifiers: ClinVar variation 1748718 (VCV001748718.3), dbSNP rs368993888, ClinGen allele CA073155.

ClinVar aggregate classification (germline): Uncertain significance (1 of 4 stars; one submission).

Conditions:
Familial thoracic aortic aneurysm and aortic dissection (TAAD). Also called: Thoracic aortic aneurysms and dissections. Identifiers: Orphanet 91387, MedGen C4707243, MONDO:0019625.

Allele frequency attached by ClinVar (database versions not stated): gnomAD 0.00001; ExAC 0.00002; TOPMed 0.00003; ESP Exome Variant Server 0.00008.
gnomAD v4.1: 3 of 1,613,918 alleles (0.00019%); highest among the groups gnomAD compares: African/African-American, 0.004%; no homozygotes.

Submission:

Ambry Genetics
Classification: Uncertain significance for Familial thoracic aortic aneurysm and aortic dissection. Last evaluated: 2025-05-02. Review status: criteria provided, single submitter. Criteria: Ambry Variant Classification Scheme 2023. Collection method: clinical testing. Allele origin: germline.
Comment: The p.D1875E variant (also known as c.5625T>G), located in coding exon 31 of the MYLK gene, results from a T to G substitution at nucleotide position 5625. The aspartic acid at codon 1875 is replaced by glutamic acid, an amino acid with highly similar properties. This amino acid position is conserved. In addition, this alteration is predicted to be tolerated by in silico analysis. Since supporting evidence is limited at this time, the clinical significance of this alteration remains unclear.